The following is an entry in ClinVar:

NM_002834.5(PTPN11):c.1450G>A (p.Val484Ile)

Gene: PTPN11 (protein tyrosine phosphatase non-receptor type 11; plus strand). Cytogenetic location: 12q24.13.
Variant type: single nucleotide variant.
Coding change: c.1450G>A on transcript NM_002834.5 (MANE Select); coding-DNA position 1450, G replaced by A.
Protein change: p.Val484Ile; replaces valine 484 with isoleucine.
Molecular consequence: missense variant.
Genome position (GRCh38, 1-based): chr12:112,489,026, G>A. VCF-style: chr12-112489026-G-A. GRCh37 (hg19) VCF-style: chr12-112926830-G-A.
Other names: c.1462G>A, p.Val488Ile (NM_001330437.2); c.1447G>A, p.Val483Ile (NM_001374625.1); short protein forms V488I, V483I, V484I.
Identifiers: ClinVar variation 1485834 (VCV001485834.8), dbSNP rs2135916035, ClinGen allele CA386779666.

ClinVar aggregate classification (germline): Uncertain significance (1 of 4 stars; one submission).

Conditions:
RASopathy. Also called: rasopathies; Noonan spectrum disorder. Identifiers: Orphanet 536391, MedGen C5555857, MONDO:0021060.

Submission:

Labcorp Genetics (formerly Invitae), Labcorp
Classification: Uncertain significance for RASopathy. Last evaluated: 2020-11-17. Review status: criteria provided, single submitter. Criteria: Invitae Variant Classification Sherloc (09022015). Collection method: clinical testing. Allele origin: germline.
Comment: This variant has not been reported in the literature in individuals with PTPN11-related conditions. Algorithms developed to predict the effect of missense changes on protein structure and function (SIFT, PolyPhen-2, Align-GVGD) all suggest that this variant is likely to be tolerated, but these predictions have not been confirmed by published functional studies and their clinical significance is uncertain. In summary, the available evidence is currently insufficient to determine the role of this variant in disease. Therefore, it has been classified as a Variant of Uncertain Significance. This variant is not present in population databases (ExAC no frequency). This sequence change replaces valine with isoleucine at codon 484 of the PTPN11 protein (p.Val484Ile). The valine residue is moderately conserved and there is a small physicochemical difference between valine and isoleucine.